The following is an entry in ClinVar:

ClinVar aggregate classification (germline): Benign/Likely benign. Review status: criteria provided, multiple submitters, no conflicts (2 of 4 stars). 11 submissions from 11 submitters: Benign (8); Likely benign (3). Last evaluated 2026-01-19.

Conditions:
Hereditary cancer-predisposing syndrome. Also called: Neoplastic Syndromes, Hereditary; Hereditary Cancer Syndrome; Tumor predisposition; Hereditary neoplastic syndrome. Identifiers: Orphanet 140162, MedGen C0027672, MeSH D009386, MONDO:0015356.
Familial cancer of breast. Also called: Hereditary breast cancer; hereditary breast carcinoma; BREAST CANCER, FAMILIAL. Identifiers: Orphanet 227535, MedGen C0346153, MONDO:0016419, OMIM 114480. Disease mechanism: loss of function.

Allele frequency attached by ClinVar (database versions not stated): ESP Exome Variant Server 0.28064; TOPMed 0.35401; 1000 Genomes Project 0.36621; 1000 Genomes Project 30x 0.36649; ExAC 0.37833.
gnomAD v4.1: 591,503 of 1,612,252 alleles (37%); highest among the groups gnomAD compares: South Asian, 41%; 109,657 homozygotes.

Submissions (11):

Labcorp Genetics (formerly Invitae), Labcorp
Classification: Benign for Familial cancer of breast. Last evaluated: 2026-01-19. Review status: criteria provided, single submitter. Criteria: Invitae Variant Classification Sherloc (09022015). Collection method: clinical testing. Allele origin: germline.

ARUP Laboratories, Molecular Genetics and Genomics, ARUP Laboratories
Classification: Benign for Familial cancer of breast. Last evaluated: 2025-07-30. Review status: criteria provided, single submitter. Criteria: ARUP Molecular Germline Variant Investigation Process 2024. Collection method: clinical testing. Allele origin: germline.

Blueprint Genetics
Classification: Likely benign. Last evaluated: 2024-11-26. Review status: criteria provided, single submitter. Criteria: ACMG Guidelines, 2015. Collection method: clinical testing. Allele origin: germline.

Myriad Genetics, Inc.
Classification: Benign for Familial cancer of breast. Last evaluated: 2024-07-25. Review status: criteria provided, single submitter. Criteria: Myriad Autosomal Dominant, Autosomal Recessive and X-Linked Classification Criteria (2023). Collection method: clinical testing. Allele origin: unknown.
Comment: This variant is considered benign. This variant has been observed at a population frequency that is significantly greater than expected given the associated disease prevalence and penetrance.

Mayo Clinic Laboratories, Mayo Clinic
Classification: Benign. Last evaluated: 2021-12-17. Review status: criteria provided, single submitter. Criteria: ACMG Guidelines, 2015. Collection method: clinical testing. Allele origin: germline. Observed: 562 variant alleles.
Comment: BA1

Illumina Laboratory Services, Illumina
Classification: Likely benign for Familial cancer of breast. Last evaluated: 2017-04-27. Review status: criteria provided, single submitter. Criteria: ICSL Variant Classification Criteria 13 December 2019. Collection method: clinical testing. Allele origin: germline.
Comment: This variant was observed as part of a predisposition screen in an ostensibly healthy population. A literature search was performed for the gene, cDNA change, and amino acid change (where applicable). Publications were found based on this search. The evidence from the literature, in combination with allele frequency data from public databases where available, was sufficient to determine this variant is unlikely to cause disease. Therefore, this variant is classified as likely benign.

GeneDx
Classification: Benign. Last evaluated: 2015-03-03. Review status: criteria provided, single submitter. Criteria: GeneDx Variant Classification Process June 2021. Collection method: clinical testing. Allele origin: germline. Affected: yes.
Comment: This variant is associated with the following publications: (PMID: 25785002, 27153395, 26350354, 14550946, 19412175, 9425226, 23222812)

Ambry Genetics
Classification: Benign for Hereditary cancer-predisposing syndrome. Last evaluated: 2014-11-18. Review status: criteria provided, single submitter. Criteria: Ambry Variant Classification Scheme 2023. Collection method: clinical testing. Allele origin: germline.

Color Diagnostics, LLC DBA Color Health
Classification: Benign for Hereditary cancer-predisposing syndrome. Last evaluated: 2014-11-04. Review status: criteria provided, single submitter. Criteria: ACMG Guidelines, 2015. Collection method: clinical testing. Allele origin: germline.

Breakthrough Genomics
Classification: Likely benign. Review status: criteria provided, single submitter. Criteria: ACMG Guidelines, 2015. Collection method: not provided. Allele origin: germline. Inheritance: Autosomal dominant inheritance. Affected: yes.

PreventionGenetics, part of Exact Sciences
Classification: Benign. Review status: criteria provided, single submitter. Criteria: ACMG Guidelines, 2015. Collection method: clinical testing. Allele origin: germline.

Literature cited by the submitters: PubMed 14550946 (cited by Illumina Laboratory Services, Illumina).

NM_000465.4(BARD1):c.1519G>A (p.Val507Met)

Gene: BARD1 (BRCA1 associated RING domain 1; minus strand). Cytogenetic location: 2q35.
Variant type: single nucleotide variant.
Coding change: c.1519G>A on transcript NM_000465.4 (MANE Select); coding-DNA position 1519, G replaced by A.
Protein change: p.Val507Met; replaces valine 507 with methionine.
Molecular consequence: missense variant. On other transcripts: non-coding transcript variant (3), intron variant (3).
Genome position (GRCh38, 1-based): chr2:214,767,531, C>T on the plus strand (G>A on the coding strand, the complement: BARD1 is on the minus strand). VCF-style: chr2-214767531-C-T. GRCh37 (hg19) VCF-style: chr2-215632255-C-T.
Other names: c.1462G>A, p.Val488Met (NM_001282543.2); c.159-14976G>A (NM_001282548.2); c.216-14976G>A (NM_001282545.2); c.364+24766G>A (NM_001282549.2); short protein forms V507M, V488M.
Identifiers: ClinVar variation 140757 (VCV000140757.39), dbSNP rs2070094, ClinGen allele CA163499.
Genomic context (GRCh38, chr2:214,767,531, plus strand): 5'-GAACTACTTACACAGCATTTCTGGAGGCTCCATAGGAAAGTAACAGCTTGACTATATCCA[C>T]ATGCCCATTCTTGGCTGCATCGTGAAGTGGTGAGTCATTTTGATACCCGGTGGTGTTCAC-3'
Protein context (NP_000456.2, residues 497-517): PLHDAAKNGH[Val507Met]DIVKLLLSYG